The following is an entry in ClinVar:

NM_000053.4(ATP7B):c.3743del (p.Lys1248fs)

Gene: ATP7B (ATPase copper transporting beta; minus strand). Cytogenetic location: 13q14.3.
Variant type: Deletion.
Coding change: c.3743del on transcript NM_000053.4 (MANE Select); coding-DNA position 3743, one base deleted (A; older notation c.3743delA).
Protein change: p.Lys1248fs; shifts the reading frame from lysine 1248.
Molecular consequence: frameshift variant. On other transcripts: intron variant (1).
Genome position (GRCh38, 1-based): chr13:51,937,636, T deleted on the plus strand (A on the coding strand, the reverse complement: ATP7B is on the minus strand); the first of 2 consecutive T bases (chr13:51,937,636-51,937,637); deleting either gives the same sequence. VCF-style (leftmost placement, unchanged base first): chr13-51937635-CT-C. GRCh37 (hg19) VCF-style: chr13-52511771-CT-C.
Other names: c.3122del, p.Lys1041fs (NM_001005918.3); c.3410del, p.Lys1137fs (NM_001243182.2); c.3509del, p.Lys1170fs (NM_001330578.2, NM_001406527.1, NM_001406528.1); c.3491del, p.Lys1164fs (NM_001330579.2, NM_001406531.1, NM_001406532.1); c.3743del, p.Lys1248fs (NM_001406511.1, NM_001406512.1); c.3737del, p.Lys1246fs (NM_001406513.1); c.3710del, p.Lys1237fs (NM_001406514.1); c.3689del, p.Lys1230fs (NM_001406515.1, NM_001406516.1); and 21 more; short protein forms K1021fs, K1032fs, K1041fs, K1054fs, K1084fs, K1086fs, K1099fs, K1105fs.
Identifiers: ClinVar variation 2683625 (VCV002683625.1), dbSNP rs2547569268, ClinGen allele CA2697551871.

ClinVar aggregate classification (germline): Likely pathogenic (1 of 4 stars; one submission).

Submission:

Mayo Clinic Laboratories, Mayo Clinic
Classification: Likely pathogenic. Last evaluated: 2022-10-21. Review status: criteria provided, single submitter. Criteria: ACMG Guidelines, 2015. Collection method: clinical testing. Allele origin: germline. Observed: 1 variant allele.
Comment: PM2, PVS1